The following is an entry in ClinVar:

ClinVar aggregate classification (germline): Uncertain significance. Review status: criteria provided, multiple submitters, no conflicts (2 of 4 stars). 5 submissions from 5 submitters: Uncertain significance (5). Last evaluated 2025-12-14.

Conditions:
Hereditary cancer-predisposing syndrome. Also called: Neoplastic Syndromes, Hereditary; Hereditary Cancer Syndrome; Tumor predisposition; Hereditary neoplastic syndrome. Identifiers: Orphanet 140162, MedGen C0027672, MeSH D009386, MONDO:0015356.
Multiple endocrine neoplasia, type 2 (MEN2). Identifiers: Orphanet 653, MedGen C4048306, MONDO:0019003. Disease mechanism: gain of function.
Pheochromocytoma. Also called: MAX-Related Hereditary Paraganglioma-Pheochromocytoma Syndrome. Identifiers: Orphanet 29072, MedGen C0031511, MONDO:0008233, OMIM 171300, HP:0002666.
Familial medullary thyroid carcinoma (MTC). Also called: Thyroid cancer, familial medullary; MTC, familial; Familial Medullary Thyroid Carcinoma (FMTC). Identifiers: Orphanet 653, Orphanet 99361, MedGen C1833921, MONDO:0007958, OMIM 155240.
Multiple endocrine neoplasia type 2B. Also called: Multiple endocrine neoplasia, type 3; MULTIPLE ENDOCRINE NEOPLASIA, TYPE IIB; MUCOSAL NEUROMA SYNDROME; MEN 2B; Multiple Endocrine Neoplasia Type 2B (MEN2B); MEN IIB. Identifiers: Orphanet 247709, Orphanet 653, MedGen C0025269, MeSH D018814, MONDO:0008082, OMIM 162300.
Multiple endocrine neoplasia type 2A. Also called: MULTIPLE ENDOCRINE NEOPLASIA, TYPE IIA; PTC SYNDROME; SIPPLE SYNDROME; MEN 2A; MEN-2A syndrome; Pheochromocytoma and amyloid producing medullary thyroid carcinoma. Identifiers: Orphanet 247698, Orphanet 653, MedGen C0025268, MeSH D018813, MONDO:0008234, OMIM 171400.
Hirschsprung disease, susceptibility to, 1 (HSCR1). Also called: RET-Related Hirschsprung Disease. Identifiers: Orphanet 388, MedGen C3888239, MONDO:0007723, OMIM 142623.

Allele frequency attached by ClinVar (database versions not stated): gnomAD exomes below 0.00001 and 0.00001; TOPMed 0.00002; ESP Exome Variant Server 0.00008.
gnomAD v4.1: 4 of 1,614,200 alleles (0.00025%); highest among the groups gnomAD compares: Non-Finnish European, 0.00034%; no homozygotes.

Submissions (5):

Labcorp Genetics (formerly Invitae), Labcorp
Classification: Uncertain significance for Multiple endocrine neoplasia, type 2. Last evaluated: 2025-12-14. Review status: criteria provided, single submitter. Criteria: Invitae Variant Classification Sherloc (09022015). Collection method: clinical testing. Allele origin: germline.
Comment: This sequence change replaces proline, which is neutral and non-polar, with leucine, which is neutral and non-polar, at codon 1023 of the RET protein (p.Pro1023Leu). This variant is not present in population databases (gnomAD no frequency). This variant has not been reported in the literature in individuals affected with RET-related conditions. ClinVar contains an entry for this variant (Variation ID: 543758). An algorithm developed to predict the effect of missense changes on protein structure and function (PolyPhen-2) suggests that this variant is likely to be tolerated. In summary, the available evidence is currently insufficient to determine the role of this variant in disease. Therefore, it has been classified as a Variant of Uncertain Significance.

All of Us Research Program, National Institutes of Health
Classification: Uncertain significance for Multiple endocrine neoplasia, type 2. Last evaluated: 2024-09-11. Review status: criteria provided, single submitter. Criteria: ACMG Guidelines, 2015. Collection method: clinical testing. Allele origin: germline. Inheritance: Autosomal dominant inheritance. Observed: 4 variant alleles, 4 heterozygotes.
Comment: This missense variant replaces proline with leucine at codon 1023 of the RET protein. Computational prediction suggests that this variant may not impact protein structure and function (internally defined REVEL score threshold <= 0.5, PMID: 27666373). To our knowledge, functional studies have not been reported for this variant. This variant has not been reported in individuals affected with RET-related disorders in the literature. This variant has been identified in 1/251468 chromosomes in the general population by the Genome Aggregation Database (gnomAD). The available evidence is insufficient to determine the role of this variant in disease conclusively. Therefore, this variant is classified as a Variant of Uncertain Significance.

This study involves interpretation of variants in research participants for the purpose of population health screening. Participant phenotype was not available at the time of variant classification. Additional details can be found in publication PMID: 35346344, PMCID: PMC8962531

Fulgent Genetics
Classification: Uncertain significance for Hirschsprung disease, susceptibility to, 1; Familial medullary thyroid carcinoma; Multiple endocrine neoplasia type 2B; Pheochromocytoma; Multiple endocrine neoplasia type 2A. Last evaluated: 2024-05-04. Review status: criteria provided, single submitter. Criteria: ACMG Guidelines, 2015. Collection method: clinical testing. Allele origin: germline.

Ambry Genetics
Classification: Uncertain significance for Hereditary cancer-predisposing syndrome. Last evaluated: 2024-01-29. Review status: criteria provided, single submitter. Criteria: Ambry Variant Classification Scheme 2023. Collection method: clinical testing. Allele origin: germline.
Comment: The p.P1023L variant (also known as c.3068C>T), located in coding exon 19 of the RET gene, results from a C to T substitution at nucleotide position 3068. The proline at codon 1023 is replaced by leucine, an amino acid with similar properties. This amino acid position is highly conserved in available vertebrate species. In addition, the in silico prediction for this alteration is inconclusive. Based on the available evidence, the clinical significance of this alteration remains unclear.

Mayo Clinic Laboratories, Mayo Clinic
Classification: Uncertain significance. Last evaluated: 2022-09-28. Review status: criteria provided, single submitter. Criteria: ACMG Guidelines, 2015. Collection method: clinical testing. Allele origin: germline. Observed: 1 variant allele.
Comment: PM2

NM_020975.6(RET):c.3068C>T (p.Pro1023Leu)

Gene: RET (ret proto-oncogene; plus strand). Cytogenetic location: 10q11.21.
Variant type: single nucleotide variant.
Coding change: c.3068C>T on transcript NM_020975.6 (MANE Select); coding-DNA position 3068, C replaced by T.
Protein change: p.Pro1023Leu; replaces proline 1023 with leucine.
Molecular consequence: missense variant.
Genome position (GRCh38, 1-based): chr10:43,126,603, C>T. VCF-style: chr10-43126603-C-T. GRCh37 (hg19) VCF-style: chr10-43622051-C-T.
Other names: p.Pro1023Leu; c.2672C>T, p.Pro891Leu (NM_001406772.1, NM_001406769.1); c.2630C>T, p.Pro877Leu (NM_001406773.1, NM_001406771.1); c.2543C>T, p.Pro848Leu (NM_001406774.1); c.2342C>T, p.Pro781Leu (NM_001406775.1, NM_001406776.1, NM_001406777.1 and 1 more transcripts); c.2171C>T, p.Pro724Leu (NM_001406779.1, NM_001406780.1, NM_001406781.1 and 1 more transcripts); c.3068C>T, p.Pro1023Leu (NM_000323.2, NM_001406743.1, NM_001406744.1 and 4 more transcripts); c.2306C>T, p.Pro769Leu (NM_001355216.2); and 11 more; short protein forms P1023L, P769L, P540L, P628L, P679L, P693L, P724L, P781L.
Identifiers: ClinVar variation 543758 (VCV000543758.18), dbSNP rs138912894, ClinGen allele CA206267826.